The following is an entry in ClinVar:

NM_000051.4(ATM):c.2376+6A>C

Gene: ATM (ATM serine/threonine kinase; plus strand). Cytogenetic location: 11q22.3.
Variant type: single nucleotide variant.
Coding change: c.2376+6A>C on transcript NM_000051.4 (MANE Select); 6 bases into the intron after coding-DNA position 2376, A replaced by C.
Molecular consequence: intron variant.
Genome position (GRCh38, 1-based): chr11:108,257,612, A>C. VCF-style: chr11-108257612-A-C. GRCh37 (hg19) VCF-style: chr11-108128339-A-C.
Other names: c.2376+6A>C (NM_001351834.2).
Identifiers: ClinVar variation 662803 (VCV000662803.11), dbSNP rs1409294054, ClinGen allele CA671400025.

ClinVar aggregate classification (germline): Conflicting classifications of pathogenicity. Review status: criteria provided, conflicting classifications (1 of 4 stars). 2 submissions from 2 submitters: Uncertain significance (1); Likely benign (1). Last evaluated 2025-04-16.

Conditions:
Hereditary cancer-predisposing syndrome. Also called: Neoplastic Syndromes, Hereditary; Hereditary neoplastic syndrome; Tumor predisposition; Hereditary Cancer Syndrome. Identifiers: Orphanet 140162, MedGen C0027672, MeSH D009386, MONDO:0015356.
Ataxia-telangiectasia syndrome (AT). Also called: Ataxia-telangiectasia, complementation group D; AT, COMPLEMENTATION GROUP C; Ataxia telangiectasia (A-T); Cerebello-oculocutaneous telangiectasia; Immunodeficiency with ataxia telangiectasia; ATAXIA-TELANGIECTASIA, COMPLEMENTATION GROUP A. Identifiers: Orphanet 100, MedGen C0004135, MONDO:0008840, OMIM 208900.

Allele frequency attached by ClinVar (database versions not stated): gnomAD 0.00001; TOPMed 0.00001.
gnomAD v4.1: 3 of 1,612,722 alleles (0.00019%); highest among the groups gnomAD compares: Non-Finnish European, 0.00025%; no homozygotes.

Submissions (2):

Labcorp Genetics (formerly Invitae), Labcorp
Classification: Uncertain significance for Ataxia-telangiectasia syndrome. Last evaluated: 2025-04-16. Review status: criteria provided, single submitter. Criteria: Invitae Variant Classification Sherloc (09022015). Collection method: clinical testing. Allele origin: germline.
Comment: This sequence change falls in intron 15 of the ATM gene. It does not directly change the encoded amino acid sequence of the ATM protein. It affects a nucleotide within the consensus splice site. This variant is not present in population databases (gnomAD no frequency). This variant has not been reported in the literature in individuals affected with ATM-related conditions. ClinVar contains an entry for this variant (Variation ID: 662803). Variants that disrupt the consensus splice site are a relatively common cause of aberrant splicing (PMID: 17576681, 9536098). Algorithms developed to predict the effect of sequence changes on RNA splicing suggest that this variant is not likely to affect RNA splicing. In summary, the available evidence is currently insufficient to determine the role of this variant in disease. Therefore, it has been classified as a Variant of Uncertain Significance.

Color Diagnostics, LLC DBA Color Health
Classification: Likely benign for Hereditary cancer-predisposing syndrome. Last evaluated: 2016-04-26. Review status: criteria provided, single submitter. Criteria: ACMG Guidelines, 2015. Collection method: clinical testing. Allele origin: germline.

Literature cited by the submitters: PubMed 17576681 (cited by Labcorp Genetics (formerly Invitae), Labcorp); PubMed 9536098 (cited by Labcorp Genetics (formerly Invitae), Labcorp).